The following is an entry in ClinVar:

ClinVar aggregate classification (germline): Uncertain significance (1 of 4 stars; one submission).

Submission:

GeneDx
Classification: Uncertain significance. Last evaluated: 2023-02-09. Review status: criteria provided, single submitter. Criteria: GeneDx Variant Classification Process June 2021. Collection method: clinical testing. Allele origin: germline. Affected: yes.
Comment: Not observed at significant frequency in large population cohorts (gnomAD); In silico analysis supports that this missense variant has a deleterious effect on protein structure/function; Has not been previously published as pathogenic or benign to our knowledge

NM_001197104.2(KMT2A):c.9857C>T (p.Pro3286Leu)

Gene: KMT2A (lysine methyltransferase 2A; plus strand). Cytogenetic location: 11q23.3.
Variant type: single nucleotide variant.
Coding change: c.9857C>T on transcript NM_001197104.2 (MANE Select); coding-DNA position 9857, C replaced by T.
Protein change: p.Pro3286Leu; replaces proline 3286 with leucine.
Molecular consequence: missense variant.
Genome position (GRCh38, 1-based): chr11:118,505,749, C>T. VCF-style: chr11-118505749-C-T. GRCh37 (hg19) VCF-style: chr11-118376464-C-T.
Other names: c.9947C>T, p.Pro3316Leu (NM_001412597.1); c.9848C>T, p.Pro3283Leu (NM_005933.4); short protein forms P3283L, P3286L, P3316L.
Identifiers: ClinVar variation 2575591 (VCV002575591.1), dbSNP rs2497023672, ClinGen allele CA382821999.